The following is an entry in ClinVar:

NM_001165963.4(SCN1A):c.4601T>A (p.Val1534Asp)

Genes: SCN1A (sodium voltage-gated channel alpha subunit 1; minus strand), LOC102724058 (uncharacterized LOC102724058; plus strand). Cytogenetic location: 2q24.3.
Variant type: single nucleotide variant.
Coding change: c.4601T>A on transcript NM_001165963.4 (MANE Select); coding-DNA position 4601, T replaced by A.
Protein change: p.Val1534Asp; replaces valine 1534 with aspartic acid.
Molecular consequence: missense variant. On other transcripts: non-coding transcript variant (1).
Genome position (GRCh38, 1-based): chr2:165,994,397, A>T on the plus strand (T>A on the coding strand, the complement: SCN1A is on the minus strand). VCF-style: chr2-165994397-A-T. GRCh37 (hg19) VCF-style: chr2-166850907-A-T.
Other names: c.4601T>A, p.Val1534Asp (NM_001353948.2, NM_001202435.3); c.4568T>A, p.Val1523Asp (NM_001353949.2, NM_001353950.2, NM_001353951.2 and 2 more transcripts); c.4517T>A, p.Val1506Asp (NM_001165964.3, NM_001353957.2, NM_001353958.2); c.4565T>A, p.Val1522Asp (NM_001353954.2, NM_001353955.2); c.4514T>A, p.Val1505Asp (NM_001353960.2); c.2159T>A, p.Val720Asp (NM_001353961.2); short protein forms V1505D, V1506D, V1522D, V1523D, V1534D, V720D.
Identifiers: ClinVar variation 1098276 (VCV001098276.10), dbSNP rs2105449751, ClinGen allele CA349072336.
Genomic context (GRCh38, chr2:165,994,397, plus strand): 5'-TTAAGACAGATGAGAATCATGATGCTTATGTCAAAAACTTGTCTGGTTACGAAGTCAAAG[A>T]CCATTCCTTGAAATTTGTTCTGTAGAGAAATAGAAATGCTTTTAACAACAAAGGAGTTTT-3'
Protein context (NP_001159435.1, residues 1524-1544): PRPGNKFQGM[Val1534Asp]FDFVTRQVFD

ClinVar aggregate classification (germline): Pathogenic/Likely pathogenic. Review status: criteria provided, multiple submitters, no conflicts (2 of 4 stars). 2 submissions from 2 submitters: Pathogenic (1); Likely pathogenic (1). Last evaluated 2022-06-13.

Conditions:
Severe myoclonic epilepsy in infancy (DRVT). Also called: Epileptic encephalopathy, early infantile, 6 (Dravet syndrome); SEVERE MYOCLONIC EPILEPSY OF INFANCY; DEVELOPMENTAL AND EPILEPTIC ENCEPHALOPATHY 6A; Severe Myoclonic Epilepsy in Infancy (SMEI); Dravet syndrome. Identifiers: Orphanet 33069, MedGen C0751122, MONDO:0100135, OMIM 607208.
Early-infantile DEE. Also called: Early infantile epileptic encephalopathy; Ohtahara syndrome; Early infantile epileptic encephalopathy with suppression bursts. Identifiers: Orphanet 1934, MedGen C0393706, MONDO:0800491.

Submissions (2):

Labcorp Genetics (formerly Invitae), Labcorp
Classification: Pathogenic for Early-infantile DEE. Last evaluated: 2022-06-13. Review status: criteria provided, single submitter. Criteria: Invitae Variant Classification Sherloc (09022015). Collection method: clinical testing. Allele origin: germline.
Comment: Advanced modeling of protein sequence and biophysical properties (such as structural, functional, and spatial information, amino acid conservation, physicochemical variation, residue mobility, and thermodynamic stability) performed at Invitae indicates that this missense variant is expected to disrupt SCN1A protein function. ClinVar contains an entry for this variant (Variation ID: 1098276). This variant is also known as c.4568T>A (p.Val1523Asp). This missense change has been observed in individual(s) with clinical features of SCN1A-related conditions (PMID: 34015165; Invitae). In at least one individual the variant was observed to be de novo. This variant is not present in population databases (gnomAD no frequency). This sequence change replaces valine, which is neutral and non-polar, with aspartic acid, which is acidic and polar, at codon 1534 of the SCN1A protein (p.Val1534Asp). For these reasons, this variant has been classified as Pathogenic.

Genetics and Prenatal Diagnosis Center, The First Affiliated Hospital of Zhengzhou University
Classification: Likely pathogenic for Severe myoclonic epilepsy in infancy. Last evaluated: 2021-05-13. Review status: criteria provided, single submitter. Criteria: ACMG Guidelines, 2015. Collection method: clinical testing. Allele origin: de novo. Affected: yes.

Literature cited by the submitters: PubMed 34015165 (cited by Labcorp Genetics (formerly Invitae), Labcorp).